The following is an entry in ClinVar:

ClinVar aggregate classification (germline): Uncertain significance (1 of 4 stars; one submission).

Conditions:
Inborn genetic diseases. Identifiers: MedGen C0950123, MeSH D030342.

Submission:

Ambry Genetics
Classification: Uncertain significance for Inborn genetic diseases. Last evaluated: 2024-10-08. Review status: criteria provided, single submitter. Criteria: Ambry Variant Classification Scheme 2023. Collection method: clinical testing. Allele origin: germline.
Comment: The c.444-5C>A intronic alteration consists of a C to A substitution 5 nucleotides before coding exon 5 in the CHD2 gene. Based on insufficient or conflicting evidence, the clinical significance of this alteration remains unclear.

NM_001271.4(CHD2):c.444-5C>A

Gene: CHD2 (chromodomain helicase DNA binding protein 2; plus strand). Cytogenetic location: 15q26.1.
Variant type: single nucleotide variant.
Coding change: c.444-5C>A on transcript NM_001271.4 (MANE Select); 5 bases into the intron before coding-DNA position 444, C replaced by A.
Molecular consequence: intron variant.
Genome position (GRCh38, 1-based): chr15:92,937,513, C>A. VCF-style: chr15-92937513-C-A. GRCh37 (hg19) VCF-style: chr15-93480743-C-A.
Other names: c.444-5C>A (NM_001042572.3).
Identifiers: ClinVar variation 3491939 (VCV003491939.1).